The following is an entry in ClinVar:

NM_000548.5(TSC2):c.2062C>T (p.Leu688=)

Gene: TSC2 (TSC complex subunit 2; plus strand). Cytogenetic location: 16p13.3.
Variant type: single nucleotide variant.
Coding change: c.2062C>T on transcript NM_000548.5 (MANE Select); coding-DNA position 2062, C replaced by T.
Protein change: p.Leu688=; no amino-acid change (leucine 688 retained).
Molecular consequence: synonymous variant.
Genome position (GRCh38, 1-based): chr16:2,071,899, C>T. VCF-style: chr16-2071899-C-T. GRCh37 (hg19) VCF-style: chr16-2121900-C-T.
Other names: c.2062C>T (NM_000548.3); c.2062C>T, p.Leu688= (NM_001077183.3, NM_001114382.3, NM_001363528.2 and 3 more transcripts); c.1951C>T, p.Leu651= (NM_001318827.2); c.1915C>T, p.Leu639= (NM_001318829.2); c.1462C>T, p.Leu488= (NM_001318831.2); c.2095C>T, p.Leu699= (NM_001318832.2).
Identifiers: ClinVar variation 1153468 (VCV001153468.12), dbSNP rs1479736808, ClinGen allele CA493042623.

ClinVar aggregate classification (germline): Benign/Likely benign. Review status: criteria provided, multiple submitters, no conflicts (2 of 4 stars). 4 submissions from 4 submitters: Benign (1); Likely benign (3). Last evaluated 2026-06-19.

Conditions:
Tuberous sclerosis 2 (TSC2). Identifiers: Orphanet 805, MedGen C1860707, MONDO:0013199, OMIM 613254.
Hereditary cancer-predisposing syndrome. Also called: Neoplastic Syndromes, Hereditary; Tumor predisposition; Hereditary Cancer Syndrome; Hereditary neoplastic syndrome. Identifiers: Orphanet 140162, MedGen C0027672, MeSH D009386, MONDO:0015356.
Tuberous sclerosis syndrome (TSC). Also called: Tuberous sclerosis; Tuberous Sclerosis Complex. Identifiers: Orphanet 805, MedGen C0041341, MONDO:0001734.

Allele frequency attached by ClinVar (database versions not stated): gnomAD exomes 0.00001 and below 0.00001.

Submissions (4):

Ambry Genetics
Classification: Likely benign for Hereditary cancer-predisposing syndrome. Last evaluated: 2026-06-19. Review status: criteria provided, single submitter. Criteria: Ambry Variant Classification Scheme 2023. Collection method: clinical testing. Allele origin: germline.

Myriad Genetics, Inc.
Classification: Benign for Tuberous sclerosis 2. Last evaluated: 2025-05-16. Review status: criteria provided, single submitter. Criteria: Myriad Autosomal Dominant, Autosomal Recessive and X-Linked Classification Criteria (2023). Collection method: clinical testing. Allele origin: unknown.
Comment: This variant is considered benign. This variant is a silent/synonymous amino acid change and it is not expected to impact splicing.

Labcorp Genetics (formerly Invitae), Labcorp
Classification: Likely benign for Tuberous sclerosis 2. Last evaluated: 2024-01-16. Review status: criteria provided, single submitter. Criteria: Invitae Variant Classification Sherloc (09022015). Collection method: clinical testing. Allele origin: germline.

All of Us Research Program, National Institutes of Health
Classification: Likely benign for Tuberous sclerosis syndrome. Last evaluated: 2023-12-18. Review status: criteria provided, single submitter. Criteria: ACMG Guidelines, 2015. Collection method: clinical testing. Allele origin: germline. Inheritance: Autosomal dominant inheritance. Observed: 1 variant allele, 1 heterozygote.
Comment: This study involves interpretation of variants in research participants for the purpose of population health screening. Participant phenotype was not available at the time of variant classification. Additional details can be found in publication PMID: 35346344, PMCID: PMC8962531